The following is an entry in ClinVar:

ClinVar aggregate classification (germline): Uncertain significance (1 of 4 stars; one submission).

Conditions:
Joubert syndrome. Also called: CEREBELLOPARENCHYMAL DISORDER IV; JOUBERT-BOLTSHAUSER SYNDROME; Familial aplasia of the vermis. Identifiers: Orphanet 475, MedGen C5979921, MONDO:0018772.

Allele frequency attached by ClinVar (database versions not stated): gnomAD 0.00001; gnomAD exomes 0.00001; TOPMed 0.00002.
gnomAD v4.1: 14 of 1,613,720 alleles (0.00087%); highest among the groups gnomAD compares: Admixed American, 0.0017%; no homozygotes.

Submission:

Labcorp Genetics (formerly Invitae), Labcorp
Classification: Uncertain significance for Joubert syndrome. Last evaluated: 2022-08-19. Review status: criteria provided, single submitter. Criteria: Invitae Variant Classification Sherloc (09022015). Collection method: clinical testing. Allele origin: germline.
Comment: This sequence change replaces threonine, which is neutral and polar, with alanine, which is neutral and non-polar, at codon 145 of the AHI1 protein (p.Thr145Ala). This variant is not present in population databases (gnomAD no frequency). This variant has not been reported in the literature in individuals affected with AHI1-related conditions. Advanced modeling of protein sequence and biophysical properties (such as structural, functional, and spatial information, amino acid conservation, physicochemical variation, residue mobility, and thermodynamic stability) performed at Invitae indicates that this missense variant is not expected to disrupt AHI1 protein function. In summary, the available evidence is currently insufficient to determine the role of this variant in disease. Therefore, it has been classified as a Variant of Uncertain Significance.

NM_001134831.2(AHI1):c.433A>G (p.Thr145Ala)

Gene: AHI1 (Abelson helper integration site 1; minus strand). Cytogenetic location: 6q23.3.
Variant type: single nucleotide variant.
Coding change: c.433A>G on transcript NM_001134831.2 (MANE Select); coding-DNA position 433, A replaced by G.
Protein change: p.Thr145Ala; replaces threonine 145 with alanine.
Molecular consequence: missense variant.
Genome position (GRCh38, 1-based): chr6:135,466,130, T>C on the plus strand (A>G on the coding strand, the complement: AHI1 is on the minus strand). VCF-style: chr6-135466130-T-C. GRCh37 (hg19) VCF-style: chr6-135787268-T-C.
Other names: c.433A>G, p.Thr145Ala (NM_001134830.2, NM_001134832.2, NM_001350503.2 and 2 more transcripts); short protein forms T145A.
Identifiers: ClinVar variation 2413964 (VCV002413964.5), dbSNP rs1057457565, ClinGen allele CA148149159.